The following is an entry in ClinVar:

NM_022132.5(MCCC2):c.804-261T>C

Gene: MCCC2 (methylcrotonyl-CoA carboxylase subunit 2; plus strand). Cytogenetic location: 5q13.2.
Variant type: single nucleotide variant.
Coding change: c.804-261T>C on transcript NM_022132.5 (MANE Select); 261 bases into the intron before coding-DNA position 804, T replaced by C.
Molecular consequence: intron variant.
Genome position (GRCh38, 1-based): chr5:71,634,682, T>C. VCF-style: chr5-71634682-T-C. GRCh37 (hg19) VCF-style: chr5-70930509-T-C.
Other names: c.690-261T>C (NM_001363147.1).
Identifiers: ClinVar variation 684219 (VCV000684219.1), dbSNP rs2270920, ClinGen allele CA16230575.

ClinVar aggregate classification (germline): Benign (1 of 4 stars; one submission).

Allele frequency attached by ClinVar (database versions not stated): 1000 Genomes Project 30x 0.74656; gnomAD 0.74783 and 0.75127; TOPMed 0.75271; 1000 Genomes Project 0.75300.

Submission:

GeneDx
Classification: Benign. Last evaluated: 2018-06-19. Review status: criteria provided, single submitter. Criteria: GeneDx Variant Classification (06012015). Collection method: clinical testing. Allele origin: germline. Affected: yes.
Comment: This variant is considered likely benign or benign based on one or more of the following criteria: it is a conservative change, it occurs at a poorly conserved position in the protein, it is predicted to be benign by multiple in silico algorithms, and/or has population frequency not consistent with disease.